The following is an entry in ClinVar:

ClinVar aggregate classification (germline): Uncertain significance. Review status: criteria provided, multiple submitters, no conflicts (2 of 4 stars). 3 submissions from 3 submitters: Uncertain significance (3). Last evaluated 2025-11-05.

Conditions:
Hereditary cancer-predisposing syndrome. Also called: Hereditary neoplastic syndrome; Neoplastic Syndromes, Hereditary; Tumor predisposition; Hereditary Cancer Syndrome. Identifiers: Orphanet 140162, MedGen C0027672, MeSH D009386, MONDO:0015356.
Ataxia-telangiectasia syndrome (AT). Also called: Ataxia telangiectasia (A-T); LOUIS-BAR SYNDROME; Cerebello-oculocutaneous telangiectasia; Immunodeficiency with ataxia telangiectasia; Ataxia-telangiectasia, complementation group D; AT, COMPLEMENTATION GROUP C. Identifiers: Orphanet 100, MedGen C0004135, MONDO:0008840, OMIM 208900.

gnomAD v4.1: 1 of 1,614,170 alleles (0.000062%); highest among the groups gnomAD compares: Non-Finnish European, 0.000085%; no homozygotes.

Submissions (3):

Labcorp Genetics (formerly Invitae), Labcorp
Classification: Uncertain significance for Ataxia-telangiectasia syndrome. Last evaluated: 2025-11-05. Review status: criteria provided, single submitter. Criteria: Invitae Variant Classification Sherloc (09022015). Collection method: clinical testing. Allele origin: germline.
Comment: This sequence change replaces alanine, which is neutral and non-polar, with valine, which is neutral and non-polar, at codon 2466 of the ATM protein (p.Ala2466Val). This variant is not present in population databases (gnomAD no frequency). This missense change has been observed in individual(s) with breast cancer (PMID: 11746755). ClinVar contains an entry for this variant (Variation ID: 1758684). Invitae Evidence Modeling of protein sequence and biophysical properties (such as structural, functional, and spatial information, amino acid conservation, physicochemical variation, residue mobility, and thermodynamic stability) has been performed for this missense variant. However, the output from this modeling did not meet the statistical confidence thresholds required to predict the impact of this variant on ATM protein function. In summary, the available evidence is currently insufficient to determine the role of this variant in disease. Therefore, it has been classified as a Variant of Uncertain Significance.

Ambry Genetics
Classification: Uncertain significance for Hereditary cancer-predisposing syndrome. Last evaluated: 2025-10-03. Review status: criteria provided, single submitter. Criteria: Ambry Variant Classification Scheme 2023. Collection method: clinical testing. Allele origin: germline.
Comment: The p.A2466V variant (also known as c.7397C>T), located in coding exon 49 of the ATM gene, results from a C to T substitution at nucleotide position 7397. The alanine at codon 2466 is replaced by valine, an amino acid with similar properties. This alteration has been identified in multiple individuals diagnosed with breast cancer (Atencio DP et al. Environ Mol Mutagen, 2001;38:200-8; Ho AY et al. Int J Radiat Oncol Biol Phys, 2007 Nov;69:677-84). In an assay testing ATM function, this variant showed a functionally abnormal result (Lee KS et al. Cell, 2025 Sep;188:5081-5099.e27). This amino acid position is highly conserved in available vertebrate species. In addition, this alteration is predicted to be deleterious by in silico analysis. Based on the available evidence, the clinical significance of this variant remains unclear.

Women's Health and Genetics/Laboratory Corporation of America, LabCorp
Classification: Uncertain significance. Last evaluated: 2025-07-18. Review status: criteria provided, single submitter. Criteria: LabCorp Variant Classification Summary - May 2015. Collection method: clinical testing. Allele origin: germline.
Comment: Variant summary: ATM c.7397C>T (p.Ala2466Val) results in a non-conservative amino acid change in the encoded protein sequence. Algorithms developed to predict the effect of missense changes on protein structure and function all suggest that this variant is likely to be disruptive. The variant was absent in 251256 control chromosomes. The available data on variant occurrences in the general population are insufficient to allow any conclusion about variant significance. c.7397C>T has been observed in the presumed heterozygous state in multiple individual(s) affected with clinical features of breast cancer (example, Iannuzzi_2002, Atencio_2001, Tavtigian_2009, Ho_2007) without strong evidence for causality. These report(s) do not provide unequivocal conclusions about association of the variant with ATM-related conditions. To our knowledge, no experimental evidence demonstrating an impact on protein function has been reported. The following publications have been ascertained in the context of this evaluation (PMID: 29449575, 11849780, 11746755, 26069186, 30197789, 27499002, 26010451, 36334078, 31537689, 19781682, 17517479). ClinVar contains an entry for this variant (Variation ID: 1758684). Based on the evidence outlined above, the variant was classified as uncertain significance.

Literature cited by the submitters: PubMed 11746755 (cited by 3 submitters); PubMed 17517479 (cited by Ambry Genetics and Women's Health and Genetics/Laboratory Corporation of America, LabCorp); PubMed 40580951 (cited by Ambry Genetics); PubMed 19781682 (cited by Women's Health and Genetics/Laboratory Corporation of America, LabCorp); PubMed 26010451 (cited by Women's Health and Genetics/Laboratory Corporation of America, LabCorp); PubMed 11849780 (cited by Women's Health and Genetics/Laboratory Corporation of America, LabCorp); PubMed 30197789 (cited by Women's Health and Genetics/Laboratory Corporation of America, LabCorp); PubMed 31537689 (cited by Women's Health and Genetics/Laboratory Corporation of America, LabCorp); PubMed 36334078 (cited by Women's Health and Genetics/Laboratory Corporation of America, LabCorp); PubMed 29449575 (cited by Women's Health and Genetics/Laboratory Corporation of America, LabCorp); PubMed 27499002 (cited by Women's Health and Genetics/Laboratory Corporation of America, LabCorp); PubMed 26069186 (cited by Women's Health and Genetics/Laboratory Corporation of America, LabCorp).

NM_000051.4(ATM):c.7397C>T (p.Ala2466Val)

Genes: ATM (ATM serine/threonine kinase; plus strand), C11orf65 (chromosome 11 open reading frame 65; minus strand). Cytogenetic location: 11q22.3.
Variant type: single nucleotide variant.
Coding change: c.7397C>T on transcript NM_000051.4 (MANE Select); coding-DNA position 7397, C replaced by T.
Protein change: p.Ala2466Val; replaces alanine 2466 with valine.
Molecular consequence: missense variant. On other transcripts: intron variant (2).
Genome position (GRCh38, 1-based): chr11:108,330,303, C>T. VCF-style: chr11-108330303-C-T. GRCh37 (hg19) VCF-style: chr11-108201030-C-T.
Other names: c.7397C>T, p.Ala2466Val (NM_001351834.2); c.641-21232G>A (NM_001330368.2); c.*38+4917G>A (NM_001351110.2); short protein forms A2466V.
Identifiers: ClinVar variation 1758684 (VCV001758684.6), dbSNP rs1324075885, ClinGen allele CA382560094.